The following is an entry in ClinVar:

ClinVar aggregate classification (germline): Uncertain significance (1 of 4 stars; one submission).

gnomAD v4.1: 1 of 1,613,388 alleles (0.000062%); highest among the groups gnomAD compares: African/African-American, 0.0013%; no homozygotes.

Submission:

Labcorp Genetics (formerly Invitae), Labcorp
Classification: Uncertain significance. Last evaluated: 2021-07-04. Review status: criteria provided, single submitter. Criteria: Invitae Variant Classification Sherloc (09022015). Collection method: clinical testing. Allele origin: germline.
Comment: This variant is not present in population databases (ExAC no frequency). This sequence change replaces proline with arginine at codon 1464 of the COL11A2 protein (p.Pro1464Arg). The proline residue is highly conserved and there is a moderate physicochemical difference between proline and arginine. This variant has not been reported in the literature in individuals affected with COL11A2-related conditions. Advanced modeling of protein sequence and biophysical properties (such as structural, functional, and spatial information, amino acid conservation, physicochemical variation, residue mobility, and thermodynamic stability) performed at Invitae indicates that this missense variant is not expected to disrupt COL11A2 protein function. In summary, the available evidence is currently insufficient to determine the role of this variant in disease. Therefore, it has been classified as a Variant of Uncertain Significance.

NM_080680.3(COL11A2):c.4391C>G (p.Pro1464Arg)

Gene: COL11A2 (collagen type XI alpha 2 chain; minus strand). Cytogenetic location: 6p21.32.
Variant type: single nucleotide variant.
Coding change: c.4391C>G on transcript NM_080680.3 (MANE Select); coding-DNA position 4391, C replaced by G.
Protein change: p.Pro1464Arg; replaces proline 1464 with arginine.
Molecular consequence: missense variant.
Genome position (GRCh38, 1-based): chr6:33,166,514, G>C on the plus strand (C>G on the coding strand, the complement: COL11A2 is on the minus strand). VCF-style: chr6-33166514-G-C. GRCh37 (hg19) VCF-style: chr6-33134291-G-C.
Other names: c.4070C>G, p.Pro1357Arg (NM_080679.3); c.4133C>G, p.Pro1378Arg (NM_080681.3); short protein forms P1357R, P1378R, P1464R.
Identifiers: ClinVar variation 1365873 (VCV001365873.8), dbSNP rs944163816, ClinGen allele CA137062576.
Genomic context (GRCh38, chr6:33,166,514, plus strand): 5'-TGTGGGTGGGCAGCAGAGGGGTTTAGGGGATTTTGTGGAGGAACAGAGGCAGTACTCACG[G>C]GGAGGCCGGGGGGACCTCCAGGACCAATGGGGCCGGATGCTCCTGGGATACCCTAGGAAG-3'
Protein context (NP_542411.2, residues 1454-1474): PIGPGGPPGL[Pro1464Arg]GPAGPKGAKG